The following is an entry in ClinVar:

ClinVar aggregate classification (germline): Uncertain significance. Review status: criteria provided, multiple submitters, no conflicts (2 of 4 stars). 4 submissions from 4 submitters: Uncertain significance (4). Last evaluated 2025-04-29.

Conditions:
Charcot-Marie-Tooth disease type 4B2. Also called: Charcot-Marie-Tooth Neuropathy Type 4B2; CMT 4B2; CHARCOT-MARIE-TOOTH DISEASE, DEMYELINATING, TYPE 4B2; CHARCOT-MARIE-TOOTH DISEASE, WITH FOCALLY FOLDED MYELIN SHEATHS, AUTOSOMAL RECESSIVE, TYPE 4B2. Identifiers: Orphanet 99956, MedGen C1858278, MONDO:0011475, OMIM 604563.
Inborn genetic diseases. Identifiers: MedGen C0950123, MeSH D030342.
Charcot-Marie-Tooth disease type 4. Also called: Charcot-Marie-Tooth disease, type IV; Charcot-Marie-Tooth, Type 4. Identifiers: Orphanet 64749, MedGen C4082197, MONDO:0018995.

Allele frequency attached by ClinVar (database versions not stated): gnomAD exomes 0.00002; TOPMed 0.00002; gnomAD 0.00003 and 0.00004.
gnomAD v4.1: 37 of 1,612,960 alleles (0.0023%); highest among the groups gnomAD compares: East Asian, 0.011%; no homozygotes.

Submissions (4):

Labcorp Genetics (formerly Invitae), Labcorp
Classification: Uncertain significance for Charcot-Marie-Tooth disease type 4. Last evaluated: 2025-04-29. Review status: criteria provided, single submitter. Criteria: Invitae Variant Classification Sherloc (09022015). Collection method: clinical testing. Allele origin: germline.
Comment: This sequence change replaces alanine, which is neutral and non-polar, with threonine, which is neutral and polar, at codon 632 of the SBF2 protein (p.Ala632Thr). This variant is present in population databases (no rsID available, gnomAD 0.005%). This variant has not been reported in the literature in individuals affected with SBF2-related conditions. ClinVar contains an entry for this variant (Variation ID: 543363). Invitae Evidence Modeling of protein sequence and biophysical properties (such as structural, functional, and spatial information, amino acid conservation, physicochemical variation, residue mobility, and thermodynamic stability) has been performed for this missense variant. However, the output from this modeling did not meet the statistical confidence thresholds required to predict the impact of this variant on SBF2 protein function. In summary, the available evidence is currently insufficient to determine the role of this variant in disease. Therefore, it has been classified as a Variant of Uncertain Significance.

Ambry Genetics
Classification: Uncertain significance for Inborn genetic diseases. Last evaluated: 2023-09-20. Review status: criteria provided, single submitter. Criteria: Ambry Variant Classification Scheme 2023. Collection method: clinical testing. Allele origin: germline.

Blueprint Genetics
Classification: Uncertain significance. Last evaluated: 2022-06-19. Review status: criteria provided, single submitter. Criteria: ACMG Guidelines, 2015. Collection method: clinical testing. Allele origin: germline.

Baylor Genetics
Classification: Uncertain significance for Charcot-Marie-Tooth disease type 4B2. Last evaluated: 2020-05-15. Review status: criteria provided, single submitter. Criteria: ACMG Guidelines, 2015. Collection method: clinical testing. Allele origin: unknown. Affected: yes.
Comment: This variant was determined to be of uncertain significance according to ACMG Guidelines, 2015 [PMID:25741868].

NM_030962.4(SBF2):c.1894G>A (p.Ala632Thr)

Genes: SBF2 (SET binding factor 2; minus strand), LOC101928008 (uncharacterized LOC101928008; plus strand). Cytogenetic location: 11p15.4.
Variant type: single nucleotide variant.
Coding change: c.1894G>A on transcript NM_030962.4 (MANE Select); coding-DNA position 1894, G replaced by A.
Protein change: p.Ala632Thr; replaces alanine 632 with threonine.
Molecular consequence: missense variant.
Genome position (GRCh38, 1-based): chr11:9,895,978, C>T on the plus strand (G>A on the coding strand, the complement: SBF2 is on the minus strand). VCF-style: chr11-9895978-C-T. GRCh37 (hg19) VCF-style: chr11-9917525-C-T.
Other names: c.1894G>A, p.Ala632Thr (NM_001386339.1); c.1765G>A, p.Ala589Thr (NM_001386342.1); short protein forms A632T, A589T.
Identifiers: ClinVar variation 543363 (VCV000543363.10), dbSNP rs1386270581, ClinGen allele CA379646343.